The following is an entry in ClinVar:

ClinVar aggregate classification (germline): Benign (3 of 4 stars; one submission).

Conditions:
Breast-ovarian cancer, familial, susceptibility to, 1 (BROVCA1). Also called: BRCA1 Hereditary Breast and Ovarian Cancer; OVARIAN CANCER, SUSCEPTIBILITY TO. Identifiers: Orphanet 145, MedGen C2676676, MONDO:0011450, OMIM 604370. Disease mechanism: loss of function.

Allele frequency attached by ClinVar (database versions not stated): TOPMed 0.30211; gnomAD 0.30732 and 0.31469; 1000 Genomes Project 30x 0.34791; 1000 Genomes Project 0.35383.
gnomAD v4.1: 47,589 of 151,174 alleles (31%); highest among the groups gnomAD compares: South Asian, 49%; 7,821 homozygotes.

Submission:

Evidence-based Network for the Interpretation of Germline Mutant Alleles (ENIGMA)
Classification: Benign for Breast-ovarian cancer, familial 1. Last evaluated: 2015-01-12. Review status: reviewed by expert panel. Criteria: ENIGMA BRCA1/2 Classification Criteria (2015). Collection method: curation. Allele origin: germline.
Comment: Class 1 not pathogenic based on frequency >1% in an outbred sampleset. Frequency 0.3304 (Asian), 0.2154 (African), 0.3602 (European), derived from 1000 genomes (2012-04-30).

NM_007294.4(BRCA1):c.4358-755A>G

Gene: BRCA1 (BRCA1 DNA repair associated; minus strand). Cytogenetic location: 17q21.31.
Variant type: single nucleotide variant.
Coding change: c.4358-755A>G on transcript NM_007294.4 (MANE Select); 755 bases into the intron before coding-DNA position 4358, A replaced by G.
Molecular consequence: intron variant.
Genome position (GRCh38, 1-based): chr17:43,077,369, T>C on the plus strand (A>G on the coding strand, the complement: BRCA1 is on the minus strand). VCF-style: chr17-43077369-T-C. GRCh37 (hg19) VCF-style: chr17-41229386-T-C.
Other names: IVS 13-755A>G; c.908-758A>G (NM_001408458.1, NM_001408461.1, NM_001408459.1 and 1 more transcripts); c.3470-758A>G (NM_001407967.1); c.3977-755A>G (NM_001407959.1); c.4091-755A>G (NM_001407931.1, NM_001407932.1, NM_001407930.1 and 1 more transcripts); c.4214-755A>G (NM_001407747.1, NM_001407745.1, NM_001407746.1 and 11 more transcripts); c.3974-755A>G (NM_001407962.1); c.545-755A>G (NM_001408512.1); and 99 more.
Identifiers: ClinVar variation 209382 (VCV000209382.2), dbSNP rs12940378, ClinGen allele CA276354.
Genomic context (GRCh38, chr17:43,077,369, plus strand): 5'-GAAGGCAAAGTTCTGGCATGTTAGTTCTTTTTTTTTTTTTGAGACGGAGTCTCACTCTGT[T>C]GCCCAAGCTGAAGTGCAATGGTGCAATCTTGGCTCACTGCAACCTCCACCTCCTGGGTTC-3'